The following is an entry in ClinVar:

NM_000553.6(WRN):c.2546A>G (p.Tyr849Cys)

Gene: WRN (WRN RecQ like helicase; plus strand). Cytogenetic location: 8p12.
Variant type: single nucleotide variant.
Coding change: c.2546A>G on transcript NM_000553.6 (MANE Select); coding-DNA position 2546, A replaced by G.
Protein change: p.Tyr849Cys; replaces tyrosine 849 with cysteine.
Molecular consequence: missense variant.
Genome position (GRCh38, 1-based): chr8:31,120,340, A>G. VCF-style: chr8-31120340-A-G. GRCh37 (hg19) VCF-style: chr8-30977856-A-G.
Other names: short protein forms Y849C.
Identifiers: ClinVar variation 2140917 (VCV002140917.4), dbSNP rs2535986656, ClinGen allele CA370915514.

ClinVar aggregate classification (germline): Uncertain significance (1 of 4 stars; one submission).

Conditions:
Werner syndrome (WRN). Identifiers: Orphanet 902, MedGen C0043119, MONDO:0010196, OMIM 277700.

gnomAD v4.1: 3 of 1,613,040 alleles (0.00019%); highest among the groups gnomAD compares: Non-Finnish European, 0.00025%; no homozygotes.

Submission:

Labcorp Genetics (formerly Invitae), Labcorp
Classification: Uncertain significance for Werner syndrome. Last evaluated: 2022-08-06. Review status: criteria provided, single submitter. Criteria: Invitae Variant Classification Sherloc (09022015). Collection method: clinical testing. Allele origin: germline.
Comment: In summary, the available evidence is currently insufficient to determine the role of this variant in disease. Therefore, it has been classified as a Variant of Uncertain Significance. Algorithms developed to predict the effect of missense changes on protein structure and function are either unavailable or do not agree on the potential impact of this missense change (SIFT: "Not Available"; PolyPhen-2: "Probably Damaging"; Align-GVGD: "Not Available"). This variant has not been reported in the literature in individuals affected with WRN-related conditions. This variant is not present in population databases (gnomAD no frequency). This sequence change replaces tyrosine, which is neutral and polar, with cysteine, which is neutral and slightly polar, at codon 849 of the WRN protein (p.Tyr849Cys).